The following is an entry in ClinVar:

ClinVar aggregate classification (germline): Conflicting classifications of pathogenicity. Review status: criteria provided, conflicting classifications (1 of 4 stars). 6 submissions from 6 submitters: Pathogenic (1); Likely pathogenic (1); Uncertain significance (4). Last evaluated 2025-02-11.

Conditions:
CERKL-related disorders.
CERKL-related disorder. Also called: CERKL-related condition.
Retinitis pigmentosa (RP). Identifiers: Orphanet 791, MedGen C0035334, MeSH D012174, MONDO:0019200, OMIM 268000. Inheritance: Autosomal dominant, autosomal recessive and X linked inheritance.

Allele frequency attached by ClinVar (database versions not stated): TOPMed 0.00005; gnomAD exomes 0.00006 and 0.00002; ESP Exome Variant Server 0.00008; 1000 Genomes Project 30x 0.00016; 1000 Genomes Project 0.00020; gnomAD 0.00004; ExAC 0.00005.
gnomAD v4.1: 43 of 1,614,016 alleles (0.0027%); highest among the groups gnomAD compares: South Asian, 0.025%; 1 homozygote.

Submissions (6):

PreventionGenetics, part of Exact Sciences
Classification: Uncertain significance for CERKL-related condition. Last evaluated: 2025-02-11. Review status: criteria provided, single submitter. Criteria: ACMG Guidelines, 2015. Collection method: clinical testing. Allele origin: germline.
Comment: The CERKL c.1028G>A variant is predicted to result in the amino acid substitution p.Arg343His. This variant was reported in the homozygous state in an individual with retinitis pigmentosa (supplementary data, Weisschuh et al. 2020. PubMed ID: 32531858). This variant is reported in 0.029% of alleles in individuals of South Asian descent in gnomAD. At this time, the clinical significance of this variant is uncertain due to the absence of conclusive functional and genetic evidence.

Labcorp Genetics (formerly Invitae), Labcorp
Classification: Uncertain significance. Last evaluated: 2024-11-11. Review status: criteria provided, single submitter. Criteria: Invitae Variant Classification Sherloc (09022015). Collection method: clinical testing. Allele origin: germline.
Comment: This sequence change replaces arginine, which is basic and polar, with histidine, which is basic and polar, at codon 343 of the CERKL protein (p.Arg343His). This variant is present in population databases (rs150587104, gnomAD 0.03%). This missense change has been observed in individual(s) with retinitis pigmentosa (PMID: 32531858). ClinVar contains an entry for this variant (Variation ID: 813162). Invitae Evidence Modeling of protein sequence and biophysical properties (such as structural, functional, and spatial information, amino acid conservation, physicochemical variation, residue mobility, and thermodynamic stability) indicates that this missense variant is expected to disrupt CERKL protein function with a positive predictive value of 95%. This variant disrupts the p.Arg343 amino acid residue in CERKL. Other variant(s) that disrupt this residue have been observed in individuals with CERKL-related conditions (PMID: 36819107), which suggests that this may be a clinically significant amino acid residue. In summary, the available evidence is currently insufficient to determine the role of this variant in disease. Therefore, it has been classified as a Variant of Uncertain Significance.

Blueprint Genetics
Classification: Likely pathogenic for CERKL-related disorders. Last evaluated: 2024-10-16. Review status: criteria provided, single submitter. Criteria: ACMG Guidelines, 2015. Collection method: clinical testing. Allele origin: germline. Affected: yes. Observed: 5 variant alleles.

Women's Health and Genetics/Laboratory Corporation of America, LabCorp
Classification: Uncertain significance. Last evaluated: 2021-12-23. Review status: criteria provided, single submitter. Criteria: LabCorp Variant Classification Summary - May 2015. Collection method: clinical testing. Allele origin: germline.
Comment: Variant summary: CERKL c.1028G>A (p.Arg343His) results in a non-conservative amino acid change in the encoded protein sequence. Three of five in-silico tools predict a damaging effect of the variant on protein function. The variant allele was found at a frequency of 6e-05 in 250930 control chromosomes. This frequency is not significantly higher than expected for a pathogenic variant in CERKL causing Retinitis Pigmentosa (6e-05 vs 0.0013), allowing no conclusion about variant significance. c.1028G>A has been reported in the literature in a homozygous individual affected with sporadic retinitis pigmentosa (Weisschuh_2020). These data indicate that the variant may be associated with disease. To our knowledge, no experimental evidence demonstrating an impact on protein function has been reported. Two clinical diagnostic laboratories have submitted clinical-significance assessments for this variant to ClinVar after 2014, and one laboratory classified the variant as pathogenic, while the other laboratory classified the variant as uncertain significance. Based on the evidence outlined above, the variant was classified as VUS-possibly pathogenic.

Molecular Genetics Laboratory, Institute for Ophthalmic Research
Classification: Pathogenic for Retinitis pigmentosa. Last evaluated: 2020-01-09. Review status: criteria provided, single submitter. Criteria: ACMG Guidelines, 2015. Collection method: research. Allele origin: germline. Affected: yes.

Illumina Laboratory Services, Illumina
Classification: Uncertain significance for Retinitis pigmentosa. Last evaluated: 2018-01-12. Review status: criteria provided, single submitter. Criteria: ICSL Variant Classification Criteria 13 December 2019. Collection method: clinical testing. Allele origin: germline.

Literature cited by the submitters: PubMed 32531858 (cited by Labcorp Genetics (formerly Invitae), Labcorp and Women's Health and Genetics/Laboratory Corporation of America, LabCorp); PubMed 36819107 (cited by Labcorp Genetics (formerly Invitae), Labcorp).

NM_201548.5(CERKL):c.950G>A (p.Arg317His)

Gene: CERKL (CERK like autophagy regulator; minus strand). Cytogenetic location: 2q31.3.
Variant type: single nucleotide variant.
Coding change: c.950G>A on transcript NM_201548.5 (MANE Select); coding-DNA position 950, G replaced by A.
Protein change: p.Arg317His; replaces arginine 317 with histidine.
Molecular consequence: missense variant. On other transcripts: non-coding transcript variant (2).
Genome position (GRCh38, 1-based): chr2:181,548,803, C>T on the plus strand (G>A on the coding strand, the complement: CERKL is on the minus strand). VCF-style: chr2-181548803-C-T. GRCh37 (hg19) VCF-style: chr2-182413530-C-T.
Other names: c.1028G>A, p.Arg343His (NM_001030311.3); c.611G>A, p.Arg204His (NM_001030312.3); c.743G>A, p.Arg248His (NM_001030313.3); c.896G>A, p.Arg299His (NM_001160277.2); short protein forms R204H, R317H, R248H, R299H, R343H.
Identifiers: ClinVar variation 813162 (VCV000813162.11), dbSNP rs150587104, ClinGen allele CA2010604.